The following is an entry in ClinVar:

NM_000545.8(HNF1A):c.148T>G (p.Cys50Gly)

Gene: HNF1A (HNF1 homeobox A; plus strand). Cytogenetic location: 12q24.31.
Variant type: single nucleotide variant.
Coding change: c.148T>G on transcript NM_000545.8 (MANE Select); coding-DNA position 148, T replaced by G.
Protein change: p.Cys50Gly; replaces cysteine 50 with glycine.
Molecular consequence: missense variant.
Genome position (GRCh38, 1-based): chr12:120,978,916, T>G. VCF-style: chr12-120978916-T-G. GRCh37 (hg19) VCF-style: chr12-121416719-T-G.
Other names: c.148T>G, p.Cys50Gly (NM_001306179.2, NM_001406915.1); short protein forms C50G.
Identifiers: ClinVar variation 4686220 (VCV004686220.1).

ClinVar aggregate classification (germline): Uncertain significance (1 of 4 stars; one submission).

Submission:

GeneDx
Classification: Uncertain significance. Last evaluated: 2025-07-15. Review status: criteria provided, single submitter. Criteria: GeneDx Variant Classification Process June 2021. Collection method: clinical testing. Allele origin: germline. Affected: yes.
Comment: Not observed at significant frequency in large population cohorts (gnomAD); In silico analysis supports that this missense variant has a deleterious effect on protein structure/function; Has not been previously published as pathogenic or benign to our knowledge